The following is an entry in ClinVar:

NM_001267550.2(TTN):c.84635C>T (p.Thr28212Ile)

Genes: TTN (titin; minus strand), TTN-AS1 (TTN antisense RNA 1; plus strand). Cytogenetic location: 2q31.2.
Variant type: single nucleotide variant.
Coding change: c.84635C>T on transcript NM_001267550.2 (MANE Select); coding-DNA position 84635, C replaced by T.
Protein change: p.Thr28212Ile; replaces threonine 28212 with isoleucine.
Molecular consequence: missense variant.
Genome position (GRCh38, 1-based): chr2:178,561,497, G>A on the plus strand (C>T on the coding strand, the complement: TTN is on the minus strand). VCF-style: chr2-178561497-G-A. GRCh37 (hg19) VCF-style: chr2-179426224-G-A.
Other names: c.79712C>T, p.Thr26571Ile (NM_001256850.1); c.57440C>T, p.Thr19147Ile (NM_003319.4); c.76931C>T, p.Thr25644Ile (NM_133378.4); c.57815C>T, p.Thr19272Ile (NM_133432.3); c.58016C>T, p.Thr19339Ile (NM_133437.4); short protein forms T26571I, T19147I, T19272I, T19339I, T25644I, T28212I.
Identifiers: ClinVar variation 4986526 (VCV004986526.1).

ClinVar aggregate classification (germline): Uncertain significance (1 of 4 stars; one submission).

Conditions:
TTN-related disorder. Also called: TTN-related disorders; TTN-related condition; TTN-related disease.

gnomAD v4.1: 8 of 1,613,670 alleles (0.0005%); highest among the groups gnomAD compares: Admixed American, 0.01%; no homozygotes.

Submission:

PreventionGenetics, part of Exact Sciences
Classification: Uncertain significance for TTN-related condition. Last evaluated: 2025-11-05. Review status: criteria provided, single submitter. Criteria: ACMG Guidelines, 2015. Collection method: clinical testing. Allele origin: germline.
Comment: The TTN c.84635C>T variant is predicted to result in the amino acid substitution p.Thr28212Ile. This variant has been reported in an individual with dilated cardiomyopathy (Table S3, Mazzarotto et al. 2020. PubMed ID: 31983221). This variant is reported in 0.015% of alleles in individuals of Latino descent in gnomAD. At this time, the clinical significance of this variant is uncertain due to the absence of conclusive functional and genetic evidence.